The following is an entry in ClinVar:

ClinVar aggregate classification (germline): Pathogenic/Likely pathogenic. Review status: criteria provided, multiple submitters, no conflicts (2 of 4 stars). 7 submissions from 7 submitters: Pathogenic (4); Likely pathogenic (2). 1 of the submissions does not count toward it. Last evaluated 2026-04-02.

Conditions:
Dilated cardiomyopathy 1G (CMD1G). Identifiers: Orphanet 154, MedGen C1858763, MONDO:0011400, OMIM 604145.
Cardiovascular phenotype. Identifiers: MedGen CN230736.
Tip-toe gait. Also called: Toe walking. Identifiers: MedGen C0427144, HP:0030051.
Autosomal recessive limb-girdle muscular dystrophy type 2J (LGMDR10). Also called: Limb-girdle muscular dystrophy, type 2J; MUSCULAR DYSTROPHY, LIMB-GIRDLE, AUTOSOMAL RECESSIVE 10. Identifiers: Orphanet 140922, MedGen C1837342, MONDO:0012127, OMIM 608807.

Allele frequency attached by ClinVar (database versions not stated): gnomAD exomes below 0.00001; ExAC 0.00001.
gnomAD v4.1: 5 of 1,586,908 alleles (0.00032%); highest among the groups gnomAD compares: South Asian, 0.0048%; no homozygotes.

Submissions (7):

Dasa
Classification: Pathogenic. Last evaluated: 2026-04-02. Review status: criteria provided, single submitter. Criteria: DASA Assertion Criteria. Collection method: clinical testing. Allele origin: germline.
Comment: NM_001267550.2(TTN):c.106531+1G>A affects a canonical splice site and is predicted to disrupt normal RNA splicing, leading to loss of normal protein function. Loss-of-function is an established mechanism of disease for this gene. This variant has been recurrently observed in individuals with related phenotype (PMID: 32528171; PMID: 32778822; PMID: 25589632; PMID: 27869827; PMID: 32964742). The variant is present at low frequency in population datasets. Based on the available data, this variant is classified as pathogenic.

Labcorp Genetics (formerly Invitae), Labcorp
Classification: Pathogenic for Dilated cardiomyopathy 1G; Autosomal recessive limb-girdle muscular dystrophy type 2J. Last evaluated: 2025-05-21. Review status: criteria provided, single submitter. Criteria: Invitae Variant Classification Sherloc (09022015). Collection method: clinical testing. Allele origin: germline.
Comment: This sequence change affects a donor splice site in intron 359 of the TTN gene. It is expected to disrupt RNA splicing and likely results in a truncated or disrupted TTN protein. The frequency data for this variant in the population databases is considered unreliable, as metrics indicate poor data quality at this position in the gnomAD database. Disruption of this splice site has been observed in individuals with clinical features of autosomal recessive centronuclear myopathy and/or limb-girdle weakness (PMID: 32528171, 32778822; internal data). ClinVar contains an entry for this variant (Variation ID: 617573). Algorithms developed to predict the effect of sequence changes on RNA splicing suggest that this variant may disrupt the consensus splice site. This variant is located in the M band of TTN (PMID: 25589632). Truncating variants in this region have been previously reported in individuals affected with autosomal dominant or autosomal recessive myopathy and muscular dystrophy (PMID: 18948003, 23975875, 24395473). Truncating variants in this region have also been identified in individuals affected with autosomal dominant dilated cardiomyopathy and/or cardio-related conditions (PMID: 27869827, 32964742, internal data). For these reasons, this variant has been classified as Pathogenic.

Ambry Genetics
Classification: Likely pathogenic for Cardiovascular phenotype. Last evaluated: 2024-03-15. Review status: criteria provided, single submitter. Criteria: Ambry Variant Classification Scheme 2023. Collection method: clinical testing. Allele origin: germline.
Comment: The c.79336+1G>A intronic variant results from a G to A substitution one nucleotide after coding exon 186 of the TTN gene. Exon 186 is located in the M-band region of the N2-B isoform of the titin protein and is constitutively expressed in TTN transcripts (percent spliced in or PSI 100%). Exon 186 is located in the M-band region of the N2-B isoform of the titin protein and is constitutively expressed in TTN transcripts (percent spliced in or PSI 100%). This variant (referred to as NM_001267550.2:c.106531+1G>A) has been identified in the homozygous state in an individual with features consistent with skeletal myopathy (Savarese M et al. Genet Med, 2020 Dec;22:2029-2040). This alteration disrupts the canonical splice site and is expected to cause aberrant splicing, resulting in an abnormal protein or a transcript that is subject to nonsense-mediated mRNA decay. While loss of function variants in TTN are present in 1-3% of the general population, truncating variants (a category that includes canonical splice site variants) in the M-band have been reported in association with autosomal recessive titinopathies, primarily presenting with skeletal myopathy phenotypes (Ceyhan-Birsoy O et al. Neurology. 2013 Oct 1;81(14):1205-14; De Cid R et al. Neurology. 2015;85(24):2126-35). In addition, regardless of their position, TTN truncating variants encoded in constitutive exons (PSI >90%) have been found to be significantly associated with dilated cardiomyopathy (DCM), though truncating variants in the A-band are the most common cause of DCM (Herman DS et al. N. Engl. J. Med., 2012 Feb;366:619-28; Roberts AM et al. Sci Transl Med, 2015 Jan;7:270ra6; Schafer S et al. Nat. Genet., 2017 01;49:46-53). This variant is considered to be rare based on population cohorts in the Genome Aggregation Database (gnomAD). This nucleotide position is highly conserved in available vertebrate species. In silico splice site analysis predicts that this alteration will weaken the native splice donor site. Based on the majority of available evidence to date, this variant is likely to be pathogenic in association with autosomal recessive titinopathy; however, the clinical significance of this alteration with respect to cardiomyopathy remains unclear.

Revvity Omics, Revvity
Classification: Pathogenic. Last evaluated: 2023-05-03. Review status: criteria provided, single submitter. Criteria: ACMG Guidelines, 2015. Collection method: clinical testing. Allele origin: germline.

Mendelics
Classification: Pathogenic for Dilated cardiomyopathy 1G. Last evaluated: 2019-05-28. Review status: criteria provided, single submitter. Criteria: Mendelics Assertion Criteria 2017. Collection method: clinical testing. Allele origin: unknown.

NeuroMeGen, Hospital Clinico Santiago de Compostela
Classification: Likely pathogenic for Autosomal recessive limb-girdle muscular dystrophy type 2J. Last evaluated: 2018-10-08. Review status: criteria provided, single submitter. Criteria: ACMG Guidelines, 2015. Collection method: clinical testing. Allele origin: maternal. Affected: yes. Observed: 1 compound heterozygote.

Practice for Gait Abnormalities, David Pomarino, Competency Network Toe Walking C/o Practice Pomarino
Classification: Likely pathogenic for Tip-toe gait. Last evaluated: 2022-12-21. Review status: flagged submission. Collection method: clinical testing. Allele origin: germline. Affected: yes. Not counted in ClinVar's aggregate classification.
Comment: Myopathy refers to diseases that affect skeletal Muscles. These diseases attack muscle fibers, making muscles weak. Inherited myopathies are often caused by inheriting an abnormal gene mutation from a parent that causes the disease. Symptoms of congenital myopathies usually start at birth or in early childhood, but may not appear until the teen years or even later in adulthood. Congenital myopathies are somewhat unique compared with other inherited myopathies, as weakness typically affects all muscles and is often not progressive. Symptoms are: Muscle weakness, most commonly of upper arms and shoulders and thighs, muscle cramps, stiffness and spasms, fatigue with exertion and lack of energy. Our patients all walk on tiptoe, so they show similar symptoms. When we genetically test them with our toe walking panel, we find that around 90 per cent of them have a genetic variant that explains their toe walking. These can be assigned, for example, to the area of myopathies (such as variants of the COL6A3 gene), the area of hereditary neuropathies (such as variants of the KMT2C gene) or the area of metabolic diseases (such as variants of the PYGM gene). In a smaller group of patients with almost identical symptoms, no abnormality is found in the genes of our panel, but spastic paraplegia can be detected. In another small group of our toe walkers, no abnormalities can be detected in the genes analysed in our toe walking panel, nor do they suffer from spastic paraplegia, as is also the case with healthy children. In contrast to these, however, they show a tiptoe gait. These patients suffer from infantile cerebral palsy, in which toe walking can also be observed.
ClinVar note: Notes: This gene has insufficient supporting evidence for isolated Tip-Toe Gait.
ClinVar note: Reason: Claim with insufficient supporting evidence

Literature cited by the submitters: PubMed 32528171 (cited by 3 submitters); PubMed 32778822 (cited by 3 submitters); PubMed 25589632 (cited by Dasa and Labcorp Genetics (formerly Invitae), Labcorp); PubMed 27869827 (cited by Dasa and Labcorp Genetics (formerly Invitae), Labcorp); PubMed 32964742 (cited by Dasa and Labcorp Genetics (formerly Invitae), Labcorp); PubMed 18948003 (cited by Labcorp Genetics (formerly Invitae), Labcorp); PubMed 23975875 (cited by Labcorp Genetics (formerly Invitae), Labcorp); PubMed 24395473 (cited by Labcorp Genetics (formerly Invitae), Labcorp); PubMed 37091313 (cited by Practice for Gait Abnormalities, David Pomarino, Competency Network Toe Walking C/o Practice Pomarino).

NM_001267550.2(TTN):c.106531+1G>A

Genes: TTN (titin; minus strand), TTN-AS1 (TTN antisense RNA 1; plus strand). Cytogenetic location: 2q31.2.
Variant type: single nucleotide variant.
Coding change: c.106531+1G>A on transcript NM_001267550.2 (MANE Select); the canonical splice donor site of the intron after coding-DNA position 106531, G replaced by A.
Molecular consequence: splice donor variant.
Genome position (GRCh38, 1-based): chr2:178,529,959, C>T on the plus strand (G>A on the coding strand, the complement: TTN is on the minus strand). VCF-style: chr2-178529959-C-T. GRCh37 (hg19) VCF-style: chr2-179394686-C-T.
Other names: c.106531+1G>A (NM_001267550.1); c.79336+1G>A (NM_003319.4); c.79912+1G>A (NM_133437.4); c.79711+1G>A (NM_133432.3); c.98827+1G>A (NM_133378.4); c.101608+1G>A (NM_001256850.1).
Identifiers: ClinVar variation 617573 (VCV000617573.17), dbSNP rs760915007, ClinGen allele CA1985092.